The following is an entry in ClinVar:

ClinVar aggregate classification (germline): Uncertain significance. Review status: criteria provided, multiple submitters, no conflicts (2 of 4 stars). 2 submissions from 2 submitters: Uncertain significance (2). Last evaluated 2024-11-28.

Conditions:
Inborn genetic diseases. Identifiers: MedGen C0950123, MeSH D030342.

Allele frequency attached by ClinVar (database versions not stated): ExAC 0.00001; gnomAD 0.00001; gnomAD exomes 0.00001; TOPMed 0.00001; ESP Exome Variant Server 0.00008.

Submissions (2):

Ambry Genetics
Classification: Uncertain significance for Inborn genetic diseases. Last evaluated: 2024-11-28. Review status: criteria provided, single submitter. Criteria: Ambry Variant Classification Scheme 2023. Collection method: clinical testing. Allele origin: germline.

Labcorp Genetics (formerly Invitae), Labcorp
Classification: Uncertain significance. Last evaluated: 2022-07-05. Review status: criteria provided, single submitter. Criteria: Invitae Variant Classification Sherloc (09022015). Collection method: clinical testing. Allele origin: germline.
Comment: In summary, the available evidence is currently insufficient to determine the role of this variant in disease. Therefore, it has been classified as a Variant of Uncertain Significance. Algorithms developed to predict the effect of missense changes on protein structure and function are either unavailable or do not agree on the potential impact of this missense change (SIFT: "Deleterious"; PolyPhen-2: "Benign"; Align-GVGD: "Class C0"). ClinVar contains an entry for this variant (Variation ID: 1512938). This variant has not been reported in the literature in individuals affected with TUBGCP6-related conditions. The frequency data for this variant in the population databases is considered unreliable, as metrics indicate poor data quality at this position in the gnomAD database. This sequence change replaces serine, which is neutral and polar, with asparagine, which is neutral and polar, at codon 893 of the TUBGCP6 protein (p.Ser893Asn).

NM_020461.4(TUBGCP6):c.2678G>A (p.Ser893Asn)

Gene: TUBGCP6 (tubulin gamma complex component 6; minus strand). Cytogenetic location: 22q13.33.
Variant type: single nucleotide variant.
Coding change: c.2678G>A on transcript NM_020461.4 (MANE Select); coding-DNA position 2678, G replaced by A.
Protein change: p.Ser893Asn; replaces serine 893 with asparagine.
Molecular consequence: missense variant.
Genome position (GRCh38, 1-based): chr22:50,221,681, C>T on the plus strand (G>A on the coding strand, the complement: TUBGCP6 is on the minus strand). VCF-style: chr22-50221681-C-T. GRCh37 (hg19) VCF-style: chr22-50660110-C-T.
Other names: c.2678G>A (NM_020461.3); short protein forms S893N.
Identifiers: ClinVar variation 1512938 (VCV001512938.9), dbSNP rs371312827, ClinGen allele CA10308143.
Genomic context (GRCh38, chr22:50,221,681, plus strand): 5'-CCAGTCTGCACGGACGGCTCAGCCCCTGGGCCCACAGGTAGGAAGTCTCCAATGCTGAGG[C>T]TGTCAGAGAAGGGTCTGGCCCCCTCCGCCTGCTGCAGCCCCCTGCCACCAGCCCCCACTG-3'
Protein context (NP_065194.3, residues 883-903): QAEGARPFSD[Ser893Asn]LSIGDFLPVG